The following is an entry in ClinVar:

ClinVar aggregate classification (germline): Pathogenic (1 of 4 stars; one submission).

Submission:

Labcorp Genetics (formerly Invitae), Labcorp
Classification: Pathogenic. Last evaluated: 2022-09-24. Review status: criteria provided, single submitter. Criteria: Invitae Variant Classification Sherloc (09022015). Collection method: clinical testing. Allele origin: germline.
Comment: This sequence change creates a premature translational stop signal (p.Ala124Serfs*23) in the ACY1 gene. It is expected to result in an absent or disrupted protein product. Loss-of-function variants in ACY1 are known to be pathogenic (PMID: 16465618, 21414403, 24997716). This variant is present in population databases (rs779541256, gnomAD 0.004%). This variant has not been reported in the literature in individuals affected with ACY1-related conditions. For these reasons, this variant has been classified as Pathogenic.

Literature cited by the submitters: PubMed 16465618; PubMed 21414403; PubMed 24997716.

NM_000666.3(ACY1):c.369dup (p.Ala124fs)

Genes: ABHD14A-ACY1 (ABHD14A-ACY1 readthrough; plus strand), ACY1 (aminoacylase 1; plus strand). Cytogenetic location: 3p21.2.
Variant type: Duplication.
Coding change: c.369dup on transcript NM_000666.3 (MANE Select); coding-DNA position 369, one base duplicated (A; older notation c.369dupA).
Protein change: p.Ala124fs; shifts the reading frame from alanine 124.
Molecular consequence: frameshift variant. On other transcripts: intron variant (1).
Genome position (GRCh38, 1-based): chr3:51,986,264, A duplicated; the last of 2 consecutive A bases (chr3:51,986,263-51,986,264); duplicating either gives the same sequence. VCF-style (leftmost placement, unchanged base first): chr3-51986262-G-GA. GRCh37 (hg19) VCF-style: chr3-52020278-G-GA.
Other names: c.639dup, p.Ala214fs (NM_001316331.2); c.369dup, p.Ala124fs (NM_001198895.2, NM_001198897.2); c.264dup, p.Ala89fs (NM_001198898.2); c.311-341dup (NM_001198896.2); short protein forms A89fs, A214fs, A124fs.
Identifiers: ClinVar variation 1901351 (VCV001901351.5), dbSNP rs779541256, ClinGen allele CA2428453.